The following is an entry in ClinVar:

ClinVar aggregate classification (germline): Likely benign. Review status: criteria provided, multiple submitters, no conflicts (2 of 4 stars). 4 submissions from 4 submitters: Likely benign (4). Last evaluated 2026-01-31.

Conditions:
Tuberous sclerosis syndrome (TSC). Also called: Tuberous Sclerosis Complex; Tuberous sclerosis. Identifiers: Orphanet 805, MedGen C0041341, MONDO:0001734.
Tuberous sclerosis 1 (TSC1). Identifiers: Orphanet 805, MedGen C1854465, MONDO:0008612, OMIM 191100.

Allele frequency attached by ClinVar (database versions not stated): gnomAD exomes below 0.00001; gnomAD 0.00001; TOPMed 0.00001; 1000 Genomes Project 30x 0.00016.

Submissions (4):

Labcorp Genetics (formerly Invitae), Labcorp
Classification: Likely benign for Tuberous sclerosis 1. Last evaluated: 2026-01-31. Review status: criteria provided, single submitter. Criteria: Invitae Variant Classification Sherloc (09022015). Collection method: clinical testing. Allele origin: germline.

Myriad Genetics, Inc.
Classification: Likely benign for Tuberous sclerosis 1. Last evaluated: 2025-04-29. Review status: criteria provided, single submitter. Criteria: Myriad Autosomal Dominant, Autosomal Recessive and X-Linked Classification Criteria (2023). Collection method: clinical testing. Allele origin: unknown.
Comment: This variant is considered likely benign. This variant is intronic and is not expected to impact mRNA splicing.

All of Us Research Program, National Institutes of Health
Classification: Likely benign for Tuberous sclerosis syndrome. Last evaluated: 2023-08-28. Review status: criteria provided, single submitter. Criteria: ACMG Guidelines, 2015. Collection method: clinical testing. Allele origin: germline. Inheritance: Autosomal dominant inheritance. Observed: 1 variant allele, 1 heterozygote.
Comment: This study involves interpretation of variants in research participants for the purpose of population health screening. Participant phenotype was not available at the time of variant classification. Additional details can be found in publication PMID: 35346344, PMCID: PMC8962531

Color Diagnostics, LLC DBA Color Health
Classification: Likely benign for Tuberous sclerosis syndrome. Last evaluated: 2023-08-16. Review status: criteria provided, single submitter. Criteria: ACMG Guidelines, 2015. Collection method: clinical testing. Allele origin: germline.

NM_000368.5(TSC1):c.2814-9A>G

Gene: TSC1 (TSC complex subunit 1; minus strand). Cytogenetic location: 9q34.13.
Variant type: single nucleotide variant.
Coding change: c.2814-9A>G on transcript NM_000368.5 (MANE Select); 9 bases into the intron before coding-DNA position 2814, A replaced by G.
Molecular consequence: intron variant.
Genome position (GRCh38, 1-based): chr9:132,897,354, T>C on the plus strand (A>G on the coding strand, the complement: TSC1 is on the minus strand). VCF-style: chr9-132897354-T-C. GRCh37 (hg19) VCF-style: chr9-135772741-T-C.
Other names: c.2451-9A>G (NM_001362177.2); c.2661-9A>G (NM_001162427.2); c.2811-9A>G (NM_001162426.2).
Identifiers: ClinVar variation 237712 (VCV000237712.14), dbSNP rs878853965, ClinGen allele CA10582623.